The following is an entry in ClinVar:

NM_001244926.2(PRPF4):c.1124A>T (p.Asp375Val)

Gene: PRPF4 (pre-mRNA splicing tri-snRNP complex factor PRPF4; plus strand). Cytogenetic location: 9q32.
Variant type: single nucleotide variant.
Coding change: c.1124A>T on transcript NM_001244926.2 (MANE Select); coding-DNA position 1124, A replaced by T.
Protein change: p.Asp375Val; replaces aspartic acid 375 with valine.
Molecular consequence: missense variant.
Genome position (GRCh38, 1-based): chr9:113,290,567, A>T. VCF-style: chr9-113290567-A-T. GRCh37 (hg19) VCF-style: chr9-116052847-A-T.
Other names: c.398A>T, p.Asp133Val (NM_001322266.2, NM_001322267.2); c.1127A>T, p.Asp376Val (NM_004697.5); short protein forms D133V, D375V, D376V.
Identifiers: ClinVar variation 1018036 (VCV001018036.9), dbSNP rs1832578277, ClinGen allele CA374555222.
Genomic context (GRCh38, chr9:113,290,567, plus strand): 5'-AGGAGATCCTGCATCAGGAAGGCCATAGCATGGGTGTGTATGACATTGCCTTCCATCAAG[A>T]TGGCTCTTTGGCTGGCACTGGGTAAGGCTTCTCCCATGTAGTCAGGGGCAGTTCAGTACT-3'
Protein context (NP_001231855.1, residues 365-385): MGVYDIAFHQ[Asp375Val]GSLAGTGGLD

ClinVar aggregate classification (germline): Uncertain significance. Review status: criteria provided, multiple submitters, no conflicts (2 of 4 stars). 2 submissions from 2 submitters: Uncertain significance (2). Last evaluated 2022-11-29.

Submissions (2):

Labcorp Genetics (formerly Invitae), Labcorp
Classification: Uncertain significance. Last evaluated: 2022-11-29. Review status: criteria provided, single submitter. Criteria: Invitae Variant Classification Sherloc (09022015). Collection method: clinical testing. Allele origin: germline.
Comment: In summary, the available evidence is currently insufficient to determine the role of this variant in disease. Therefore, it has been classified as a Variant of Uncertain Significance. Algorithms developed to predict the effect of missense changes on protein structure and function are either unavailable or do not agree on the potential impact of this missense change (SIFT: "Deleterious"; PolyPhen-2: "Probably Damaging"; Align-GVGD: "Class C15"). ClinVar contains an entry for this variant (Variation ID: 1018036). This variant has not been reported in the literature in individuals affected with PRPF4-related conditions. This variant is not present in population databases (gnomAD no frequency). This sequence change replaces aspartic acid, which is acidic and polar, with valine, which is neutral and non-polar, at codon 376 of the PRPF4 protein (p.Asp376Val).

Blueprint Genetics
Classification: Uncertain significance. Last evaluated: 2022-04-07. Review status: criteria provided, single submitter. Criteria: ACMG Guidelines, 2015. Collection method: clinical testing. Allele origin: germline.